The following is an entry in ClinVar:

ClinVar aggregate classification (germline): Uncertain significance. Review status: criteria provided, multiple submitters, no conflicts (2 of 4 stars). 2 submissions from 2 submitters: Uncertain significance (2). Last evaluated 2025-01-08.

Conditions:
Catecholaminergic polymorphic ventricular tachycardia 1. Also called: VENTRICULAR TACHYCARDIA, STRESS-INDUCED POLYMORPHIC 1; RYR2-Related Catecholaminergic Polymorphic Ventricular Tachycardia; VENTRICULAR TACHYCARDIA, CATECHOLAMINERGIC POLYMORPHIC, 1, WITH OR WITHOUT ATRIAL DYSFUNCTION AND/OR DILATED CARDIOMYOPATHY. Identifiers: Orphanet 3286, MedGen C1631597, MONDO:0011484, OMIM 604772.

Submissions (2):

Labcorp Genetics (formerly Invitae), Labcorp
Classification: Uncertain significance for Catecholaminergic polymorphic ventricular tachycardia 1. Last evaluated: 2025-01-08. Review status: criteria provided, single submitter. Criteria: Invitae Variant Classification Sherloc (09022015). Collection method: clinical testing. Allele origin: germline.
Comment: This sequence change replaces leucine, which is neutral and non-polar, with valine, which is neutral and non-polar, at codon 1829 of the RYR2 protein (p.Leu1829Val). This variant is not present in population databases (gnomAD no frequency). This variant has not been reported in the literature in individuals affected with RYR2-related conditions. ClinVar contains an entry for this variant (Variation ID: 229219). Invitae Evidence Modeling of protein sequence and biophysical properties (such as structural, functional, and spatial information, amino acid conservation, physicochemical variation, residue mobility, and thermodynamic stability) indicates that this missense variant is not expected to disrupt RYR2 protein function with a negative predictive value of 95%. In summary, the available evidence is currently insufficient to determine the role of this variant in disease. Therefore, it has been classified as a Variant of Uncertain Significance.

Laboratory for Molecular Medicine, Mass General Brigham Personalized Medicine
Classification: Uncertain significance. Last evaluated: 2015-12-10. Review status: criteria provided, single submitter. Criteria: LMM Criteria. Collection method: clinical testing. Allele origin: germline. Observed: 1 variant allele.
Comment: The p.Leu1829Val variant in RYR2 has not been previously reported in individuals with cardiomyopathy or in large population studies. Computational prediction to ols and conservation analysis suggest that this variant may impact the protein, though this information is not predictive enough to determine pathogenicity. In summary, the clinical significance of the p.Leu1829Val variant is uncertain.

NM_001035.3(RYR2):c.5485C>G (p.Leu1829Val)

Gene: RYR2 (ryanodine receptor 2; plus strand). Cytogenetic location: 1q43.
Variant type: single nucleotide variant.
Coding change: c.5485C>G on transcript NM_001035.3 (MANE Select); coding-DNA position 5485, C replaced by G.
Protein change: p.Leu1829Val; replaces leucine 1829 with valine.
Molecular consequence: missense variant.
Genome position (GRCh38, 1-based): chr1:237,614,613, C>G. VCF-style: chr1-237614613-C-G. GRCh37 (hg19) VCF-style: chr1-237777913-C-G.
Other names: short protein forms L1829V.
Identifiers: ClinVar variation 229219 (VCV000229219.9), dbSNP rs876657991, ClinGen allele CA10576404.